The following is an entry in ClinVar:

NM_001458.5(FLNC):c.2602A>G (p.Ser868Gly)

Gene: FLNC (filamin C; plus strand). Cytogenetic location: 7q32.1.
Variant type: single nucleotide variant.
Coding change: c.2602A>G on transcript NM_001458.5 (MANE Select); coding-DNA position 2602, A replaced by G.
Protein change: p.Ser868Gly; replaces serine 868 with glycine.
Molecular consequence: missense variant.
Genome position (GRCh38, 1-based): chr7:128,843,280, A>G. VCF-style: chr7-128843280-A-G. GRCh37 (hg19) VCF-style: chr7-128483334-A-G.
Other names: c.2602A>G, p.Ser868Gly (NM_001127487.2); short protein forms S868G.
Identifiers: ClinVar variation 649876 (VCV000649876.20), dbSNP rs201002262, ClinGen allele CA4474790.
Genomic context (GRCh38, chr7:128,843,280, plus strand): 5'-CACATCCAGGAGATCCCCGCCAGCCCCTTCCACATCAAGGTGGACCCATCCCACGATGCC[A>G]GCAAAGTCAAGGCCGAGGGCCCTGGGCTGAATCGCACAGGTGAGTGTCTGGGCAGGGGCT-3'
Protein context (NP_001449.3, residues 858-878): HIKVDPSHDA[Ser868Gly]KVKAEGPGLN

ClinVar aggregate classification (germline): Conflicting classifications of pathogenicity. Review status: criteria provided, conflicting classifications (1 of 4 stars). 7 submissions from 7 submitters: Uncertain significance (6); Likely benign (1). Last evaluated 2025-12-29.

Conditions:
Distal myopathy with posterior leg and anterior hand involvement. Also called: WILLIAMS DISTAL MYOPATHY. Identifiers: Orphanet 63273, MedGen C3279722, MONDO:0013550, OMIM 614065.
Myofibrillar myopathy 5. Also called: Filaminopathy (type); FILAMINOPATHY, AUTOSOMAL DOMINANT. Identifiers: Orphanet 171445, MedGen C1836050, MONDO:0012289, OMIM 609524.
Hypertrophic cardiomyopathy 26. Also called: Cardiomyopathy, familial hypertrophic, 26. Identifiers: Orphanet 75249, MedGen C4310749, MONDO:0014883, OMIM 617047.
FLNC-related disorder. Also called: FLNC-related condition; FLNC-related disorders.
Cardiovascular phenotype. Identifiers: MedGen CN230736.

Allele frequency attached by ClinVar (database versions not stated): ExAC 0.00004; gnomAD exomes 0.00007 and 0.00011; gnomAD 0.00008; TOPMed 0.00009.
gnomAD v4.1: 175 of 1,612,074 alleles (0.011%); highest among the groups gnomAD compares: Non-Finnish European, 0.014%; no homozygotes.

Submissions (7):

Labcorp Genetics (formerly Invitae), Labcorp
Classification: Uncertain significance for Distal myopathy with posterior leg and anterior hand involvement; Myofibrillar myopathy 5; Hypertrophic cardiomyopathy 26. Last evaluated: 2025-12-29. Review status: criteria provided, single submitter. Criteria: Invitae Variant Classification Sherloc (09022015). Collection method: clinical testing. Allele origin: germline.
Comment: This sequence change replaces serine, which is neutral and polar, with glycine, which is neutral and non-polar, at codon 868 of the FLNC protein (p.Ser868Gly). This variant is present in population databases (rs201002262, gnomAD 0.01%), and has an allele count higher than expected for a pathogenic variant. This variant has not been reported in the literature in individuals affected with FLNC-related conditions. ClinVar contains an entry for this variant (Variation ID: 649876). Invitae Evidence Modeling of protein sequence and biophysical properties (such as structural, functional, and spatial information, amino acid conservation, physicochemical variation, residue mobility, and thermodynamic stability) has been performed for this missense variant. However, the output from this modeling did not meet the statistical confidence thresholds required to predict the impact of this variant on FLNC protein function. In summary, the available evidence is currently insufficient to determine the role of this variant in disease. Therefore, it has been classified as a Variant of Uncertain Significance.

PreventionGenetics, part of Exact Sciences
Classification: Uncertain significance for FLNC-related condition. Last evaluated: 2025-12-08. Review status: criteria provided, single submitter. Criteria: ACMG Guidelines, 2015. Collection method: clinical testing. Allele origin: germline.
Comment: The FLNC c.2602A>G variant is predicted to result in the amino acid substitution p.Ser868Gly. To our knowledge, this variant has not been reported in the literature. This variant is reported in 0.015% of alleles in individuals of European (Non-Finnish) descent in gnomAD. Although we suspect that this variant may be benign, its clinical significance is classified as uncertain due to the absence of conclusive functional and genetic evidence.

GeneDx
Classification: Uncertain significance. Last evaluated: 2025-08-26. Review status: criteria provided, single submitter. Criteria: GeneDx Variant Classification Process June 2021. Collection method: clinical testing. Allele origin: germline. Affected: yes.
Comment: Has not been previously published as pathogenic or benign to our knowledge; In silico analysis supports that this missense variant has a deleterious effect on protein structure/function

Ambry Genetics
Classification: Uncertain significance for Cardiovascular phenotype. Last evaluated: 2025-06-10. Review status: criteria provided, single submitter. Criteria: Ambry Variant Classification Scheme 2023. Collection method: clinical testing. Allele origin: germline.
Comment: The p.S868G variant (also known as c.2602A>G), located in coding exon 17 of the FLNC gene, results from an A to G substitution at nucleotide position 2602. The serine at codon 868 is replaced by glycine, an amino acid with similar properties. This amino acid position is not well conserved in available vertebrate species. In addition, this alteration is predicted to be tolerated by in silico analysis. Based on the available evidence, the clinical significance of this variant remains unclear.

Blueprint Genetics
Classification: Likely benign. Last evaluated: 2024-10-23. Review status: criteria provided, single submitter. Criteria: ACMG Guidelines, 2015. Collection method: clinical testing. Allele origin: germline.

Fulgent Genetics
Classification: Uncertain significance for Myofibrillar myopathy 5; Distal myopathy with posterior leg and anterior hand involvement; Hypertrophic cardiomyopathy 26. Last evaluated: 2021-10-11. Review status: criteria provided, single submitter. Criteria: ACMG Guidelines, 2015. Collection method: clinical testing. Allele origin: unknown.

Revvity Omics, Revvity
Classification: Uncertain significance. Last evaluated: 2020-07-29. Review status: criteria provided, single submitter. Criteria: ACMG Guidelines, 2015. Collection method: clinical testing. Allele origin: germline.